The following is an entry in ClinVar:

NM_152703.5(SAMD9L):c.916G>A (p.Glu306Lys)

Gene: SAMD9L (sterile alpha motif domain containing 9 like; minus strand). Cytogenetic location: 7q21.2.
Variant type: single nucleotide variant.
Coding change: c.916G>A on transcript NM_152703.5 (MANE Select); coding-DNA position 916, G replaced by A.
Protein change: p.Glu306Lys; replaces glutamic acid 306 with lysine.
Molecular consequence: missense variant.
Genome position (GRCh38, 1-based): chr7:93,135,056, C>T on the plus strand (G>A on the coding strand, the complement: SAMD9L is on the minus strand). VCF-style: chr7-93135056-C-T. GRCh37 (hg19) VCF-style: chr7-92764369-C-T.
Other names: c.916G>A, p.Glu306Lys (NM_001303497.3, NM_001303498.3, NM_001303500.3 and 5 more transcripts); short protein forms E306K.
Identifiers: ClinVar variation 4630029 (VCV004630029.1).

ClinVar aggregate classification (germline): Uncertain significance (1 of 4 stars; one submission).

Conditions:
Inborn genetic diseases. Identifiers: MedGen C0950123, MeSH D030342.

Submission:

Ambry Genetics
Classification: Uncertain significance for Inborn genetic diseases. Last evaluated: 2025-09-29. Review status: criteria provided, single submitter. Criteria: Ambry Variant Classification Scheme 2023. Collection method: clinical testing. Allele origin: germline.
Comment: The p.E306K variant (also known as c.916G>A), located in coding exon 1 of the SAMD9L gene, results from a G to A substitution at nucleotide position 916. The glutamic acid at codon 306 is replaced by lysine, an amino acid with similar properties. This amino acid position is conserved. In addition, the in silico prediction for this alteration is inconclusive. Based on the available evidence, the clinical significance of this variant remains unclear.